The following is an entry in ClinVar:

NM_001199397.3(NEK1):c.1226G>A (p.Trp409Ter)

Gene: NEK1 (NIMA related kinase 1; minus strand). Cytogenetic location: 4q33.
Variant type: single nucleotide variant.
Coding change: c.1226G>A on transcript NM_001199397.3 (MANE Select); coding-DNA position 1226, G replaced by A.
Protein change: p.Trp409Ter; replaces tryptophan 409 with a stop codon.
Molecular consequence: nonsense. On other transcripts: non-coding transcript variant (2), intron variant (2).
Genome position (GRCh38, 1-based): chr4:169,561,520, C>T on the plus strand (G>A on the coding strand, the complement: NEK1 is on the minus strand). VCF-style: chr4-169561520-C-T. GRCh37 (hg19) VCF-style: chr4-170482671-C-T.
Other names: 1226G-A; c.1226G>A, p.Trp409Ter (NM_001199398.3, NM_001199400.3, NM_001374418.1 and 4 more transcripts); c.1175G>A, p.Trp392Ter (NM_001374420.1); c.1140+312G>A (NM_001374421.1); c.1191+167G>A (NM_001199399.3); short protein forms W409*, W392*.
Identifiers: ClinVar variation 446672 (VCV000446672.25), dbSNP rs985064686, ClinGen allele CA109930891.

ClinVar aggregate classification (germline): Pathogenic/Likely pathogenic. Review status: criteria provided, multiple submitters, no conflicts (2 of 4 stars). 9 submissions from 9 submitters: Pathogenic (4); Likely pathogenic (2). 3 of the submissions do not count toward it. Last evaluated 2025-10-24.

Conditions:
Mohr syndrome (OFD2). Also called: OFDS II; ORAL-FACIAL-DIGITAL SYNDROME, TYPE II; OROFACIODIGITAL SYNDROME II. Identifiers: Orphanet 2751, MedGen C0026363, MONDO:0009642, OMIM 252100.
Short-rib thoracic dysplasia 6 with or without polydactyly (SRTD6). Also called: SHORT RIB-POLYDACTYLY SYNDROME, TYPE IIA; Majewski Syndrome; SHORT-RIB THORACIC DYSPLASIA 6 WITH POLYDACTYLY; SHORT-RIB THORACIC DYSPLASIA 6 WITHOUT POLYDACTYLY; POLYDACTYLY WITH NEONATAL CHONDRODYSTROPHY, TYPE II. Identifiers: MedGen C0024507, MONDO:0009894, OMIM 263520.
NEK1-related disorder. Also called: NEK1-related condition.

Allele frequency attached by ClinVar (database versions not stated): gnomAD exomes 0.00001; TOPMed 0.00001; gnomAD 0.00003 and 0.00004.
gnomAD v4.1: 23 of 1,613,482 alleles (0.0014%); highest among the groups gnomAD compares: Admixed American, 0.0017%; no homozygotes.

Submissions (9):

Dasa
Classification: Pathogenic. Last evaluated: 2025-10-24. Review status: criteria provided, single submitter. Criteria: DASA Assertion Criteria. Collection method: clinical testing. Allele origin: germline.
Comment: NM_001199397.3(NEK1):c.1226G>A (p.Trp409*) introduces a premature stop codon predicted to result in truncated protein. Loss-of-function is an established mechanism of disease for this gene. The variant has been reported in individuals with orofaciodigital syndrome type II or short-rib thoracic dysplasia in trans with another pathogenic variant (PMID: 27530628) and is present at low frequency in population datasets. Based on the available data, this variant is classified as pathogenic.

GeneDx
Classification: Likely pathogenic. Last evaluated: 2025-10-02. Review status: criteria provided, single submitter. Criteria: GeneDx Variant Classification Process June 2021. Collection method: clinical testing. Allele origin: germline. Affected: yes.
Comment: Published functional studies suggest severely reduced ciliation but no significant difference in cilia length compared to controls; however, additional studies are needed to validate the functional effect of this variant in vivo (PMID: 27530628); Nonsense variant predicted to result in protein truncation or nonsense mediated decay in a gene for which loss-of-function is a known mechanism of disease; This variant is associated with the following publications: (PMID: 27455347, 31589614, 29068549, 35896380, 27530628)

Blueprint Genetics
Classification: Pathogenic for NEK1-related disorders. Last evaluated: 2024-04-04. Review status: criteria provided, single submitter. Criteria: ACMG Guidelines, 2015. Collection method: clinical testing. Allele origin: germline. Affected: yes. Observed: 2 variant alleles.

Labcorp Genetics (formerly Invitae), Labcorp
Classification: Likely pathogenic for Short-rib thoracic dysplasia 6 with or without polydactyly. Last evaluated: 2024-02-10. Review status: criteria provided, single submitter. Criteria: Invitae Variant Classification Sherloc (09022015). Collection method: clinical testing. Allele origin: germline.
Comment: This sequence change creates a premature translational stop signal (p.Trp409*) in the NEK1 gene. RNA analysis indicates that this premature translational stop signal induces altered splicing and likely results in a shortened protein product. This variant is present in population databases (no rsID available, gnomAD 0.004%). This premature translational stop signal has been observed in individual(s) with clinical features of a skeletal ciliopathy (PMID: 27530628, 29068549). It has also been observed to segregate with disease in related individuals. ClinVar contains an entry for this variant (Variation ID: 446672). Studies have shown that this premature translational stop signal results in skipping of exon 15, but is expected to preserve the integrity of the reading-frame (PMID: 27530628). In summary, the currently available evidence indicates that the variant is pathogenic, but additional data are needed to prove that conclusively. Therefore, this variant has been classified as Likely Pathogenic.

Revvity Omics, Revvity
Classification: Pathogenic for Short-rib thoracic dysplasia 6 with or without polydactyly. Last evaluated: 2019-12-18. Review status: criteria provided, single submitter. Criteria: ACMG Guidelines, 2015. Collection method: clinical testing. Allele origin: germline.

ARUP Laboratories, Molecular Genetics and Genomics, ARUP Laboratories
Classification: Pathogenic. Last evaluated: 2017-07-19. Review status: criteria provided, single submitter. Criteria: ARUP Molecular Germline Variant Investigation Process. Collection method: clinical testing. Allele origin: germline.

OMIM
Classification: Pathogenic for OROFACIODIGITAL SYNDROME II (1 family). Last evaluated: 2026-06-10. Review status: no assertion criteria provided. Collection method: literature only. Allele origin: germline. Not counted in ClinVar's aggregate classification.

Dan Cohn Lab, University Of California Los Angeles
Classification: Pathogenic for Short-rib thoracic dysplasia 6 with or without polydactyly. Last evaluated: 2017-06-01. Review status: no assertion criteria provided. Collection method: research. Allele origin: unknown. Affected: yes. Not counted in ClinVar's aggregate classification.

University of Washington Center for Mendelian Genomics, University of Washington
Classification: Likely pathogenic for short-rib polydactyly syndrome type II. Review status: no assertion criteria provided. Collection method: research. Allele origin: inherited. Affected: yes. Not counted in ClinVar's aggregate classification.

Literature cited by the submitters: PubMed 27530628 (cited by 3 submitters); PubMed 29068549 (cited by 3 submitters).